The following is an entry in ClinVar:

ClinVar aggregate classification (germline): Pathogenic (1 of 4 stars; one submission).

Conditions:
Wilms tumor 1 (WT1). Also called: Wilms tumor, somatic. Identifiers: Orphanet 654, MedGen CN033288, MONDO:0008679, OMIM 194070.

Submission:

Labcorp Genetics (formerly Invitae), Labcorp
Classification: Pathogenic for Wilms tumor 1. Last evaluated: 2016-02-03. Review status: criteria provided, single submitter. Criteria: Invitae Variant Classification Sherloc (09022015). Collection method: clinical testing. Allele origin: germline.
Comment: A gross deletion of the genomic region encompassing the full coding sequence of the GPC3 gene has been identified. The boundaries of this event are unknown as the deletion extends beyond the assayed region for this gene and therefore may encompass additional genes. While a whole gene deletion of GPC3 has not been reported in the literature, other gross deletions in GPC3 are known to be pathogenic (PMID: 9192268, 12713262). For these reasons, this variant has been classified as Pathogenic.

NM_004484.3(GPC3):c.1574-?_*379+?del

Gene: GPC3 (glypican 3; minus strand).
Variant type: Deletion.
Coding change: c.1574-?_*379+?del on transcript NM_004484.3.
Other names: c.1574-?_*379+?del (LRG_505t1).
Identifiers: ClinVar variation 239938 (VCV000239938.1).